The following is an entry in ClinVar:

ClinVar aggregate classification (germline): Uncertain significance. Review status: criteria provided, multiple submitters, no conflicts (2 of 4 stars). 2 submissions from 2 submitters: Uncertain significance (2). Last evaluated 2024-11-26.

Conditions:
Diamond-Blackfan anemia. Also called: Blackfan Diamond syndrome; Aregenerative anemia chronic congenital; Red cell aplasia, pure hereditary; Congenital hypoplastic anemia; Aase syndrome. Identifiers: Orphanet 124, MedGen C1260899, MeSH D029503, MONDO:0015253, HP:0004810.
GATA binding protein 1 related thrombocytopenia with dyserythropoiesis. Also called: GATA1-Related X-Linked Cytopenia; GATA1-Related Cytopenia. Identifiers: MedGen C1845837, MONDO:0100089.

Submissions (2):

GeneDx
Classification: Uncertain significance. Last evaluated: 2024-11-26. Review status: criteria provided, single submitter. Criteria: GeneDx Variant Classification Process June 2021. Collection method: clinical testing. Allele origin: germline. Affected: yes.
Comment: Not observed at significant frequency in large population cohorts (gnomAD); In silico analysis supports that this missense variant has a deleterious effect on protein structure/function; Has not been previously published as pathogenic or benign to our knowledge

Labcorp Genetics (formerly Invitae), Labcorp
Classification: Uncertain significance for GATA binding protein 1 related thrombocytopenia with dyserythropoiesis; Diamond-Blackfan anemia. Last evaluated: 2022-11-14. Review status: criteria provided, single submitter. Criteria: Invitae Variant Classification Sherloc (09022015). Collection method: clinical testing. Allele origin: germline.
Comment: This sequence change replaces isoleucine, which is neutral and non-polar, with threonine, which is neutral and polar, at codon 242 of the GATA1 protein (p.Ile242Thr). This variant is not present in population databases (gnomAD no frequency). This variant has not been reported in the literature in individuals affected with GATA1-related conditions. Advanced modeling of protein sequence and biophysical properties (such as structural, functional, and spatial information, amino acid conservation, physicochemical variation, residue mobility, and thermodynamic stability) performed at Invitae indicates that this missense variant is not expected to disrupt GATA1 protein function. In summary, the available evidence is currently insufficient to determine the role of this variant in disease. Therefore, it has been classified as a Variant of Uncertain Significance.

NM_002049.4(GATA1):c.725T>C (p.Ile242Thr)

Gene: GATA1 (GATA binding protein 1; plus strand). Cytogenetic location: Xp11.23.
Variant type: single nucleotide variant.
Coding change: c.725T>C on transcript NM_002049.4 (MANE Select); coding-DNA position 725, T replaced by C.
Protein change: p.Ile242Thr; replaces isoleucine 242 with threonine.
Molecular consequence: missense variant.
Genome position (GRCh38, 1-based): chrX:48,792,449, T>C. VCF-style: chrX-48792449-T-C. GRCh37 (hg19) VCF-style: chrX-48650856-T-C.
Other names: short protein forms I242T.
Identifiers: ClinVar variation 2010911 (VCV002010911.5), dbSNP rs2519345172, ClinGen allele CA412871034.